The following is an entry in ClinVar:

ClinVar aggregate classification (germline): Uncertain significance. Review status: criteria provided, multiple submitters, no conflicts (2 of 4 stars). 2 submissions from 2 submitters: Uncertain significance (2). Last evaluated 2026-06-01.

Conditions:
Ehlers-Danlos syndrome, type 4 (EDSVASC). Also called: Ehlers-Danlos Syndrome Type IV; Ehlers-Danlos syndrome vascular type; Ehlers Danlos syndrome, ecchymotic type; Ehlers Danlos syndrome, arterial type; Ehlers Danlos syndrome, Sack-Barabas type. Identifiers: Orphanet 286, MedGen C0268338, MONDO:0017314, OMIM 130050.

Submissions (2):

CeGaT Center for Human Genetics Tuebingen
Classification: Uncertain significance. Last evaluated: 2026-06-01. Review status: criteria provided, single submitter. Criteria: CeGaT Center For Human Genetics Tuebingen Variant Classification Criteria Version 2. Collection method: clinical testing. Allele origin: germline. Affected: yes. Observed: 1 variant allele.
Comment: COL3A1: PM2

Labcorp Genetics (formerly Invitae), Labcorp
Classification: Uncertain significance for Ehlers-Danlos syndrome, type 4. Last evaluated: 2022-12-30. Review status: criteria provided, single submitter. Criteria: Invitae Variant Classification Sherloc (09022015). Collection method: clinical testing. Allele origin: germline.
Comment: In summary, the available evidence is currently insufficient to determine the role of this variant in disease. Therefore, it has been classified as a Variant of Uncertain Significance. This sequence change replaces isoleucine, which is neutral and non-polar, with asparagine, which is neutral and polar, at codon 21 of the COL3A1 protein (p.Ile21Asn). This variant is not present in population databases (gnomAD no frequency). This variant has not been reported in the literature in individuals affected with COL3A1-related conditions. Advanced modeling of protein sequence and biophysical properties (such as structural, functional, and spatial information, amino acid conservation, physicochemical variation, residue mobility, and thermodynamic stability) performed at Invitae indicates that this missense variant is not expected to disrupt COL3A1 protein function.

NM_000090.4(COL3A1):c.62T>A (p.Ile21Asn)

Gene: COL3A1 (collagen type III alpha 1 chain; plus strand). Cytogenetic location: 2q32.2.
Variant type: single nucleotide variant.
Coding change: c.62T>A on transcript NM_000090.4 (MANE Select); coding-DNA position 62, T replaced by A.
Protein change: p.Ile21Asn; replaces isoleucine 21 with asparagine.
Molecular consequence: missense variant.
Genome position (GRCh38, 1-based): chr2:188,974,551, T>A. VCF-style: chr2-188974551-T-A. GRCh37 (hg19) VCF-style: chr2-189839277-T-A.
Other names: short protein forms I21N.
Identifiers: ClinVar variation 2825044 (VCV002825044.5), dbSNP rs1296337954, ClinGen allele CA349845465.